The following is an entry in ClinVar:

NM_002439.5(MSH3):c.1660dup (p.Met554fs)

Gene: MSH3 (mutS homolog 3; plus strand). Cytogenetic location: 5q14.1.
Variant type: Duplication.
Coding change: c.1660dup on transcript NM_002439.5 (MANE Select); coding-DNA position 1660, one base duplicated (A; older notation c.1660dupA).
Protein change: p.Met554fs; shifts the reading frame from methionine 554.
Molecular consequence: frameshift variant.
Genome position (GRCh38, 1-based): chr5:80,744,512, A duplicated. VCF-style (leftmost placement, unchanged base first): chr5-80744511-T-TA. GRCh37 (hg19) VCF-style: chr5-80040330-T-TA.
Other names: short protein forms M554fs.
Identifiers: ClinVar variation 4860360 (VCV004860360.1).
Genomic context (GRCh38, chr5:80,744,511, plus strand): 5'-AATTTGGCACAAATAATTGTCTAGTTAATAAAACTTGTTTTCTGGTCTTTCTTAGACTGA[T>TA]ATGAAAACCAAAGGAAGTTTGCTGTGGGTTTTAGACCACACTAAAACTTCATTTGGGAGA-3'

ClinVar aggregate classification (germline): Pathogenic (1 of 4 stars; one submission).

Conditions:
Hereditary cancer-predisposing syndrome. Also called: Neoplastic Syndromes, Hereditary; Tumor predisposition; Hereditary Cancer Syndrome; Hereditary neoplastic syndrome. Identifiers: Orphanet 140162, MedGen C0027672, MeSH D009386, MONDO:0015356.

Submission:

Ambry Genetics
Classification: Pathogenic for Hereditary cancer-predisposing syndrome. Last evaluated: 2026-06-01. Review status: criteria provided, single submitter. Criteria: Ambry Variant Classification Scheme 2023. Collection method: clinical testing. Allele origin: germline.
Comment: The c.1660dupA pathogenic mutation, located in coding exon 12 of the MSH3 gene, results from a duplication of A at nucleotide position 1660, causing a translational frameshift with a predicted alternate stop codon (p.M554Nfs*15). This variant is considered to be rare based on population cohorts in the Genome Aggregation Database (gnomAD).This alteration is expected to result in loss of function by premature protein truncation or nonsense-mediated mRNA decay. As such, this alteration is interpreted as a disease-causing mutation.